The following is an entry in ClinVar:

ClinVar aggregate classification (germline): Uncertain significance (1 of 4 stars; one submission).

gnomAD v4.1: 2 of 1,612,462 alleles (0.00012%); highest among the groups gnomAD compares: Non-Finnish European, 0.00017%; no homozygotes.

Submission:

GeneDx
Classification: Uncertain significance. Last evaluated: 2024-11-11. Review status: criteria provided, single submitter. Criteria: GeneDx Variant Classification Process June 2021. Collection method: clinical testing. Allele origin: germline. Affected: yes.
Comment: Not observed at significant frequency in large population cohorts (gnomAD); In silico analysis indicates that this missense variant does not alter protein structure/function; In silico analysis suggests this variant may impact gene splicing. In the absence of RNA/functional studies, the actual effect of this sequence change is unknown.; Has not been previously published as pathogenic or benign to our knowledge

NM_001080517.3(SETD5):c.1567G>C (p.Glu523Gln)

Gene: SETD5 (SET domain containing 5; plus strand). Cytogenetic location: 3p25.3.
Variant type: single nucleotide variant.
Coding change: c.1567G>C on transcript NM_001080517.3 (MANE Select); coding-DNA position 1567, G replaced by C.
Protein change: p.Glu523Gln; replaces glutamic acid 523 with glutamine.
Molecular consequence: missense variant.
Genome position (GRCh38, 1-based): chr3:9,447,092, G>C. VCF-style: chr3-9447092-G-C. GRCh37 (hg19) VCF-style: chr3-9488776-G-C.
Other names: c.1273G>C, p.Glu425Gln (NM_001292043.2, NM_001349451.2); short protein forms E425Q, E523Q.
Identifiers: ClinVar variation 3899176 (VCV003899176.1).